The following is an entry in ClinVar:

NM_033641.4(COL4A6):c.1073-2A>C

Gene: COL4A6 (collagen type IV alpha 6 chain; minus strand). Cytogenetic location: Xq22.3.
Variant type: single nucleotide variant.
Coding change: c.1073-2A>C on transcript NM_033641.4 (MANE Select); the canonical splice acceptor site of the intron before coding-DNA position 1073, A replaced by C.
Molecular consequence: splice acceptor variant.
Genome position (GRCh38, 1-based): chrX:108,192,582, T>G on the plus strand (A>C on the coding strand, the complement: COL4A6 is on the minus strand). VCF-style: chrX-108192582-T-G. GRCh37 (hg19) VCF-style: chrX-107435812-T-G.
Other names: c.1076-2A>C (NM_001847.4); c.1073-2A>C (NM_001287760.2, NM_001287759.2, NM_001287758.2).
Identifiers: ClinVar variation 3719122 (VCV003719122.2).

ClinVar aggregate classification (germline): Uncertain significance (1 of 4 stars; one submission).

gnomAD v4.1: 3 of 1,161,231 alleles (0.00026%); highest among the groups gnomAD compares: East Asian, 0.006%; no homozygotes.

Submission:

Labcorp Genetics (formerly Invitae), Labcorp
Classification: Uncertain significance. Last evaluated: 2025-01-06. Review status: criteria provided, single submitter. Criteria: Invitae Variant Classification Sherloc (09022015). Collection method: clinical testing. Allele origin: germline.
Comment: This sequence change affects an acceptor splice site in intron 17 of the COL4A6 gene. It is expected to disrupt RNA splicing. Variants that disrupt the donor or acceptor splice site typically lead to a loss of protein function (PMID: 16199547), however the current clinical and genetic evidence is not sufficient to establish whether loss-of-function variants in COL4A6 cause disease. This variant is present in population databases (rs762985591, gnomAD 0.04%). Disruption of this splice site has been observed in individual(s) with deafness (internal data). Algorithms developed to predict the effect of sequence changes on RNA splicing suggest that this variant may disrupt the consensus splice site. In summary, the available evidence is currently insufficient to determine the role of this variant in disease. Therefore, it has been classified as a Variant of Uncertain Significance.

Literature cited by the submitters: PubMed 16199547.